The following is an entry in ClinVar:

NM_007294.4(BRCA1):c.1024C>G (p.Leu342Val)

Gene: BRCA1 (BRCA1 DNA repair associated; minus strand). Cytogenetic location: 17q21.31.
Variant type: single nucleotide variant.
Coding change: c.1024C>G on transcript NM_007294.4 (MANE Select); coding-DNA position 1024, C replaced by G.
Protein change: p.Leu342Val; replaces leucine 342 with valine.
Molecular consequence: missense variant. On other transcripts: intron variant (137).
Genome position (GRCh38, 1-based): chr17:43,094,507, G>C on the plus strand (C>G on the coding strand, the complement: BRCA1 is on the minus strand). VCF-style: chr17-43094507-G-C. GRCh37 (hg19) VCF-style: chr17-41246524-G-C.
Other names: c.943C>G, p.Leu315Val (NM_001407659.1, NM_001407660.1, NM_001407661.1 and 1 more transcripts); c.946C>G, p.Leu316Val (NM_001407663.1, NM_001407653.1, NM_001407654.1 and 4 more transcripts); c.901C>G, p.Leu301Val (NM_001407665.1, NM_001407664.1, NM_001407666.1 and 19 more transcripts); c.898C>G, p.Leu300Val (NM_001407672.1, NM_001407673.1, NM_001407671.1 and 11 more transcripts); c.883C>G, p.Leu295Val (NM_001407692.1, NM_001407694.1, NM_001407695.1 and 29 more transcripts); c.880C>G, p.Leu294Val (NM_001407740.1, NM_001407741.1, NM_001407742.1 and 20 more transcripts); c.811C>G, p.Leu271Val (NM_001407853.1, NM_001407894.1, NM_001407895.1 and 9 more transcripts); c.1024C>G, p.Leu342Val (NM_001407854.1, NM_001407858.1, NM_001407859.1 and 30 more transcripts); and 40 more; short protein forms L253V, L271V, L301V, L341V, L174V, L254V, L274V, L295V.
Identifiers: ClinVar variation 3825279 (VCV003825279.1).

ClinVar aggregate classification (germline): Uncertain significance (1 of 4 stars; one submission).

Conditions:
Hereditary cancer-predisposing syndrome. Also called: Hereditary neoplastic syndrome; Neoplastic Syndromes, Hereditary; Tumor predisposition; Hereditary Cancer Syndrome. Identifiers: Orphanet 140162, MedGen C0027672, MeSH D009386, MONDO:0015356.

Submission:

Ambry Genetics
Classification: Uncertain significance for Hereditary cancer-predisposing syndrome. Last evaluated: 2024-12-12. Review status: criteria provided, single submitter. Criteria: Ambry Variant Classification Scheme 2023. Collection method: clinical testing. Allele origin: germline.
Comment: The p.L342V variant (also known as c.1024C>G), located in coding exon 9 of the BRCA1 gene, results from a C to G substitution at nucleotide position 1024. The leucine at codon 342 is replaced by valine, an amino acid with highly similar properties. This amino acid position is not well conserved in available vertebrate species. In addition, the in silico prediction for this alteration is inconclusive. Based on the available evidence, the clinical significance of this variant remains unclear.